The following is an entry in ClinVar:

ClinVar aggregate classification (germline): Likely pathogenic (1 of 4 stars; one submission).

Conditions:
NSD2-related disorder. Also called: NSD2 related disorders; NSD2-related condition.

Submission:

PreventionGenetics, part of Exact Sciences
Classification: Likely pathogenic for NSD2-related condition. Last evaluated: 2025-11-03. Review status: criteria provided, single submitter. Criteria: ACMG Guidelines, 2015. Collection method: clinical testing. Allele origin: germline.
Comment: The NSD2 c.3256-2A>G variant is predicted to disrupt the AG splice acceptor site and interfere with normal splicing. To our knowledge, this variant has not been reported in the literature or in a large population database (gnomAD), indicating this variant is rare. Variants that disrupt the consensus splice acceptor site in NSD2 are expected to be pathogenic. This variant is interpreted as likely pathogenic.

NM_001042424.3(NSD2):c.3256-2A>G

Gene: NSD2 (nuclear receptor binding SET domain protein 2; plus strand). Cytogenetic location: 4p16.3.
Variant type: single nucleotide variant.
Coding change: c.3256-2A>G on transcript NM_001042424.3 (MANE Select); the canonical splice acceptor site of the intron before coding-DNA position 3256, A replaced by G.
Molecular consequence: splice acceptor variant. On other transcripts: intron variant (2).
Genome position (GRCh38, 1-based): chr4:1,961,033, A>G. VCF-style: chr4-1961033-A-G. GRCh37 (hg19) VCF-style: chr4-1962760-A-G.
Other names: c.3256-2A>G (NM_001440892.1, NM_133330.3, NM_133331.3 and 1 more transcripts); c.3355-2A>G (NM_001440893.1); c.2287-2A>G (NM_001440900.1, NM_001440899.1); c.3255+1293A>G (NM_001440894.1); c.3109-2A>G (NM_001440895.1); c.3055-2A>G (NM_001440896.1); c.3049-2A>G (NM_001440897.1); c.3048+1293A>G (NM_001440898.1).
Identifiers: ClinVar variation 4994789 (VCV004994789.1).
Genomic context (GRCh38, chr4:1,961,033, plus strand): 5'-GCCCCGACACTGAGGATTGGTCAGCACGCTTTTTGTCATGGCCACATGCTTGTGATTTCC[A>G]GGGAGAATTTGTTAACGAGTACGTTGGGGAGCTGATCGACGAGGAGGAGTGCATGGCGAG-3'